The following is an entry in ClinVar:

ClinVar aggregate classification (germline): Conflicting classifications of pathogenicity. Review status: criteria provided, conflicting classifications (1 of 4 stars). 4 submissions from 4 submitters: Uncertain significance (1); Likely benign (3). Last evaluated 2026-07-22.

Conditions:
Cardiovascular phenotype. Identifiers: MedGen CN230736.
Long QT syndrome (LQTS). Identifiers: MedGen C0023976, MeSH D008133, MONDO:0002442. Disease mechanism: loss of function. Inheritance: Various modes of inheritance.
Long QT syndrome 12 (LQT12). Identifiers: Orphanet 101016, Orphanet 768, MedGen C2751830, MONDO:0013062, OMIM 612955.

Allele frequency attached by ClinVar (database versions not stated): gnomAD exomes 0.00007 and 0.00016; 1000 Genomes Project 0.00120; 1000 Genomes Project 30x 0.00125; ESP Exome Variant Server 0.00031; gnomAD 0.00041 and 0.00044; TOPMed 0.00043; ExAC 0.00022.
gnomAD v4.1: 160 of 1,614,044 alleles (0.0099%); highest among the groups gnomAD compares: African/African-American, 0.14%; no homozygotes.

Submissions (4):

GeneDx
Classification: Uncertain significance. Last evaluated: 2026-07-22. Review status: criteria provided, single submitter. Criteria: GeneDx Variant Classification Process June 2021. Collection method: clinical testing. Allele origin: germline.
Comment: Has not been previously published as pathogenic or benign to our knowledge; In silico analysis supports that this missense variant has a deleterious effect on protein structure/function

Labcorp Genetics (formerly Invitae), Labcorp
Classification: Likely benign for Long QT syndrome. Last evaluated: 2026-01-15. Review status: criteria provided, single submitter. Criteria: Invitae Variant Classification Sherloc (09022015). Collection method: clinical testing. Allele origin: germline.

Ambry Genetics
Classification: Likely benign for Cardiovascular phenotype. Last evaluated: 2025-08-24. Review status: criteria provided, single submitter. Criteria: Ambry Variant Classification Scheme 2023. Collection method: clinical testing. Allele origin: germline.

Illumina Laboratory Services, Illumina
Classification: Likely benign for Long QT syndrome 12. Last evaluated: 2018-01-13. Review status: criteria provided, single submitter. Criteria: ICSL Variant Classification Criteria 13 December 2019. Collection method: clinical testing. Allele origin: germline.
Comment: This variant was observed in the ICSL laboratory as part of a predisposition screen in an ostensibly healthy population. It had not been previously curated by ICSL or reported in the Human Gene Mutation Database (HGMD: prior to June 1st, 2018), and was therefore a candidate for classification through an automated scoring system. Utilizing variant allele frequency, disease prevalence and penetrance estimates, and inheritance mode, an automated score was calculated to assess if this variant is too frequent to cause the disease. Based on the score and internal cut-off values, a variant classified as likely benign is not then subjected to further curation. The score for this variant resulted in a classification of likely benign for this disease.

NM_003098.3(SNTA1):c.619C>T (p.Arg207Trp)

Gene: SNTA1 (syntrophin alpha 1; minus strand). Cytogenetic location: 20q11.21.
Variant type: single nucleotide variant.
Coding change: c.619C>T on transcript NM_003098.3 (MANE Select); coding-DNA position 619, C replaced by T.
Protein change: p.Arg207Trp; replaces arginine 207 with tryptophan.
Molecular consequence: missense variant.
Genome position (GRCh38, 1-based): chr20:33,417,801, G>A on the plus strand (C>T on the coding strand, the complement: SNTA1 is on the minus strand). VCF-style: chr20-33417801-G-A. GRCh37 (hg19) VCF-style: chr20-32005607-G-A.
Other names: short protein forms R207W.
Identifiers: ClinVar variation 264288 (VCV000264288.25), dbSNP rs139537086, ClinGen allele CA9817184.